The following is an entry in ClinVar:

NM_001041.4(SI):c.2736G>C (p.Gln912His)

Gene: SI (sucrase-isomaltase; minus strand). Cytogenetic location: 3q26.1.
Variant type: single nucleotide variant.
Coding change: c.2736G>C on transcript NM_001041.4 (MANE Select); coding-DNA position 2736, G replaced by C.
Protein change: p.Gln912His; replaces glutamine 912 with histidine.
Molecular consequence: missense variant.
Genome position (GRCh38, 1-based): chr3:165,032,522, C>G on the plus strand (G>C on the coding strand, the complement: SI is on the minus strand). VCF-style: chr3-165032522-C-G. GRCh37 (hg19) VCF-style: chr3-164750310-C-G.
Other names: short protein forms Q912H.
Identifiers: ClinVar variation 1465527 (VCV001465527.8), dbSNP rs746565689, ClinGen allele CA2690560.

ClinVar aggregate classification (germline): Uncertain significance. Review status: criteria provided, multiple submitters, no conflicts (2 of 4 stars). 2 submissions from 2 submitters: Uncertain significance (2). Last evaluated 2024-11-04.

Conditions:
Sucrase-isomaltase deficiency (CSID). Also called: SI DEFICIENCY; Deficiency of isomaltase; Congenital sucrose isomaltose malabsorption; Sucrose isomaltose enzyme deficiency. Identifiers: Orphanet 35122, MedGen C1283620, MONDO:0009114, OMIM 222900.

Allele frequency attached by ClinVar (database versions not stated): TOPMed 0.00001; ExAC 0.00002.
gnomAD v4.1: 42 of 1,591,306 alleles (0.0026%); highest among the groups gnomAD compares: Middle Eastern, 0.067%; no homozygotes.

Submissions (2):

Labcorp Genetics (formerly Invitae), Labcorp
Classification: Uncertain significance. Last evaluated: 2024-11-04. Review status: criteria provided, single submitter. Criteria: Invitae Variant Classification Sherloc (09022015). Collection method: clinical testing. Allele origin: germline.
Comment: This sequence change replaces glutamine, which is neutral and polar, with histidine, which is basic and polar, at codon 912 of the SI protein (p.Gln912His). This variant also falls at the last nucleotide of exon 24, which is part of the consensus splice site for this exon. This variant is present in population databases (rs746565689, gnomAD 0.005%). This variant has not been reported in the literature in individuals affected with SI-related conditions. ClinVar contains an entry for this variant (Variation ID: 1465527). Invitae Evidence Modeling of protein sequence and biophysical properties (such as structural, functional, and spatial information, amino acid conservation, physicochemical variation, residue mobility, and thermodynamic stability) indicates that this missense variant is not expected to disrupt SI protein function with a negative predictive value of 95%. Variants that disrupt the consensus splice site are a relatively common cause of aberrant splicing (PMID: 17576681, 9536098). Algorithms developed to predict the effect of sequence changes on RNA splicing suggest that this variant may disrupt the consensus splice site. In summary, the available evidence is currently insufficient to determine the role of this variant in disease. Therefore, it has been classified as a Variant of Uncertain Significance.

Fulgent Genetics
Classification: Uncertain significance for Sucrase-isomaltase deficiency. Last evaluated: 2024-05-11. Review status: criteria provided, single submitter. Criteria: ACMG Guidelines, 2015. Collection method: clinical testing. Allele origin: germline.

Literature cited by the submitters: PubMed 17576681 (cited by Labcorp Genetics (formerly Invitae), Labcorp); PubMed 9536098 (cited by Labcorp Genetics (formerly Invitae), Labcorp).